The following is an entry in ClinVar:

ClinVar aggregate classification (germline): Uncertain significance (1 of 4 stars; one submission).

Submission:

GeneDx
Classification: Uncertain significance. Last evaluated: 2026-02-24. Review status: criteria provided, single submitter. Criteria: GeneDx Variant Classification Process June 2021. Collection method: clinical testing. Allele origin: germline.
Comment: In silico analysis supports that this missense variant has a deleterious effect on protein structure/function; Has not been previously published as pathogenic or benign to our knowledge

NM_001371727.1(GABRB2):c.475G>A (p.Ala159Thr)

Gene: GABRB2 (gamma-aminobutyric acid type A receptor subunit beta2; minus strand). Cytogenetic location: 5q34.
Variant type: single nucleotide variant.
Coding change: c.475G>A on transcript NM_001371727.1 (MANE Select); coding-DNA position 475, G replaced by A.
Protein change: p.Ala159Thr; replaces alanine 159 with threonine.
Molecular consequence: missense variant.
Genome position (GRCh38, 1-based): chr5:161,411,041, C>T on the plus strand (G>A on the coding strand, the complement: GABRB2 is on the minus strand). VCF-style: chr5-161411041-C-T. GRCh37 (hg19) VCF-style: chr5-160838047-C-T.
Other names: c.475G>A, p.Ala159Thr (NM_000813.3, NM_021911.3); short protein forms A159T.
Identifiers: ClinVar variation 5010074 (VCV005010074.1).